The following is an entry in ClinVar:

ClinVar aggregate classification (germline): Conflicting classifications of pathogenicity. Review status: criteria provided, conflicting classifications (1 of 4 stars). 3 submissions from 3 submitters: Uncertain significance (1); Likely benign (1). 1 of the submissions does not count toward it. Last evaluated 2025-02-02.

Conditions:
SERPINA1-related disorder. Also called: SerpinA1-related disorders; SERPINA1-related condition.
Alpha-1-antitrypsin deficiency (A1ATD). Also called: AAT deficiency; A1AT deficiency; Alpha1-Antitrypsin Deficiency. Identifiers: Orphanet 60, MedGen C0221757, MONDO:0013282, OMIM 613490.

Allele frequency attached by ClinVar (database versions not stated): gnomAD exomes below 0.00001 and 0.00002; ExAC 0.00003; gnomAD 0.00006 and 0.00007; TOPMed 0.00008; 1000 Genomes Project 30x 0.00016; 1000 Genomes Project 0.00020; ESP Exome Variant Server 0.00031.

Submissions (3):

Labcorp Genetics (formerly Invitae), Labcorp
Classification: Likely benign for Alpha-1-antitrypsin deficiency. Last evaluated: 2025-02-02. Review status: criteria provided, single submitter. Criteria: Invitae Variant Classification Sherloc (09022015). Collection method: clinical testing. Allele origin: germline.

Eurofins Ntd Llc (ga)
Classification: Uncertain significance. Last evaluated: 2016-12-19. Review status: criteria provided, single submitter. Criteria: EGL Classification Definitions 2015. Collection method: clinical testing. Allele origin: germline. Observed: 1 variant allele, 1 heterozygote.

PreventionGenetics, part of Exact Sciences
Classification: Likely benign for SERPINA1-related condition. Last evaluated: 2021-01-05. Review status: no assertion criteria provided. Collection method: clinical testing. Allele origin: germline. Not counted in ClinVar's aggregate classification.
Comment: This variant is classified as likely benign based on ACMG/AMP sequence variant interpretation guidelines (Richards et al. 2015 PMID: 25741868, with internal and published modifications).

NM_000295.5(SERPINA1):c.1134G>A (p.Glu378=)

Gene: SERPINA1 (serpin family A member 1; minus strand). Cytogenetic location: 14q32.13.
Variant type: single nucleotide variant.
Coding change: c.1134G>A on transcript NM_000295.5 (MANE Select); coding-DNA position 1134, G replaced by A.
Protein change: p.Glu378=; no amino-acid change (glutamic acid 378 retained).
Molecular consequence: synonymous variant.
Genome position (GRCh38, 1-based): chr14:94,378,572, C>T on the plus strand (G>A on the coding strand, the complement: SERPINA1 is on the minus strand). VCF-style: chr14-94378572-C-T. GRCh37 (hg19) VCF-style: chr14-94844909-C-T.
Other names: c.1134G>A, p.Glu378= (NM_001002235.3, NM_001002236.3, NM_001127700.2 and 7 more transcripts); c.1134G>A (NM_000295.4).
Identifiers: ClinVar variation 499171 (VCV000499171.15), dbSNP rs148362959, ClinGen allele CA7327266.